The following is an entry in ClinVar:

NM_014994.3(MAPKBP1):c.4312A>C (p.Lys1438Gln)

Gene: MAPKBP1 (mitogen-activated protein kinase binding protein 1; plus strand). Cytogenetic location: 15q15.1.
Variant type: single nucleotide variant.
Coding change: c.4312A>C on transcript NM_014994.3 (MANE Select); coding-DNA position 4312, A replaced by C.
Protein change: p.Lys1438Gln; replaces lysine 1438 with glutamine.
Molecular consequence: missense variant. On other transcripts: non-coding transcript variant (2).
Genome position (GRCh38, 1-based): chr15:41,825,221, A>C. VCF-style: chr15-41825221-A-C. GRCh37 (hg19) VCF-style: chr15-42117419-A-C.
Other names: p.Lys1444Gln; c.4330A>C, p.Lys1444Gln (NM_001128608.2); c.3481A>C, p.Lys1161Gln (NM_001265611.2); short protein forms K1161Q, K1438Q, K1444Q.
Identifiers: ClinVar variation 734633 (VCV000734633.15), dbSNP rs150009369, ClinGen allele CA7498815.

ClinVar aggregate classification (germline): Conflicting classifications of pathogenicity. Review status: criteria provided, conflicting classifications (1 of 4 stars). 5 submissions from 5 submitters: Uncertain significance (1); Benign (1); Likely benign (2). 1 of the submissions does not count toward it. Last evaluated 2026-01-27.

Conditions:
MAPKBP1-related disorder. Also called: MAPKBP1-related condition.
Inborn genetic diseases. Identifiers: MedGen C0950123, MeSH D030342.

Allele frequency attached by ClinVar (database versions not stated): ExAC 0.00063; gnomAD 0.00206 and 0.00212; gnomAD exomes 0.00022 and 0.00045; ESP Exome Variant Server 0.00215; TOPMed 0.00219; 1000 Genomes Project 0.00319; 1000 Genomes Project 30x 0.00328.
gnomAD v4.1: 637 of 1,582,636 alleles (0.04%); highest among the groups gnomAD compares: African/African-American, 0.8%; 5 homozygotes.

Submissions (5):

Labcorp Genetics (formerly Invitae), Labcorp
Classification: Benign. Last evaluated: 2026-01-27. Review status: criteria provided, single submitter. Criteria: Invitae Variant Classification Sherloc (09022015). Collection method: clinical testing. Allele origin: germline.

Mayo Clinic Laboratories, Mayo Clinic
Classification: Likely benign. Last evaluated: 2025-09-30. Review status: criteria provided, single submitter. Criteria: ACMG Guidelines, 2015. Collection method: clinical testing. Allele origin: germline. Observed: 1 variant allele.
Comment: BS1, BP4_moderate

Blueprint Genetics
Classification: Likely benign. Last evaluated: 2024-11-26. Review status: criteria provided, single submitter. Criteria: ACMG Guidelines, 2015. Collection method: clinical testing. Allele origin: germline.

Ambry Genetics
Classification: Uncertain significance for Inborn genetic diseases. Last evaluated: 2023-02-14. Review status: criteria provided, single submitter. Criteria: Ambry Variant Classification Scheme 2023. Collection method: clinical testing. Allele origin: germline.

PreventionGenetics, part of Exact Sciences
Classification: Likely benign for MAPKBP1-related condition. Last evaluated: 2023-05-11. Review status: no assertion criteria provided. Collection method: clinical testing. Allele origin: germline. Not counted in ClinVar's aggregate classification.
Comment: This variant is classified as likely benign based on ACMG/AMP sequence variant interpretation guidelines (Richards et al. 2015 PMID: 25741868, with internal and published modifications).